The following is an entry in ClinVar:

ClinVar aggregate classification (germline): Benign/Likely benign. Review status: criteria provided, multiple submitters, no conflicts (2 of 4 stars). 3 submissions from 3 submitters: Benign (1); Likely benign (2). Last evaluated 2025-05-28.

Conditions:
Hereditary cancer-predisposing syndrome. Also called: Neoplastic Syndromes, Hereditary; Hereditary neoplastic syndrome; Tumor predisposition; Hereditary Cancer Syndrome. Identifiers: Orphanet 140162, MedGen C0027672, MeSH D009386, MONDO:0015356.
Ataxia-telangiectasia syndrome (AT). Also called: Ataxia telangiectasia (A-T); Cerebello-oculocutaneous telangiectasia; Immunodeficiency with ataxia telangiectasia; LOUIS-BAR SYNDROME; AT, COMPLEMENTATION GROUP C; ATAXIA-TELANGIECTASIA, FRESNO VARIANT. Identifiers: Orphanet 100, MedGen C0004135, MONDO:0008840, OMIM 208900.
Familial cancer of breast. Also called: hereditary breast carcinoma; Hereditary breast cancer; BREAST CANCER, FAMILIAL. Identifiers: Orphanet 227535, MedGen C0346153, MONDO:0016419, OMIM 114480. Disease mechanism: loss of function.

Allele frequency attached by ClinVar (database versions not stated): gnomAD exomes below 0.00001; ExAC 0.00001.
gnomAD v4.1: 2 of 1,596,180 alleles (0.00013%); highest among the groups gnomAD compares: South Asian, 0.0022%; no homozygotes.

Submissions (3):

Labcorp Genetics (formerly Invitae), Labcorp
Classification: Likely benign for Ataxia-telangiectasia syndrome. Last evaluated: 2025-05-28. Review status: criteria provided, single submitter. Criteria: Invitae Variant Classification Sherloc (09022015). Collection method: clinical testing. Allele origin: germline.

Myriad Genetics, Inc.
Classification: Benign for Familial cancer of breast. Last evaluated: 2024-05-28. Review status: criteria provided, single submitter. Criteria: Myriad Autosomal Dominant, Autosomal Recessive and X-Linked Classification Criteria (2023). Collection method: clinical testing. Allele origin: unknown.
Comment: This variant is considered benign. This variant is a silent/synonymous amino acid change and it is not expected to impact splicing.

Ambry Genetics
Classification: Likely benign for Hereditary cancer-predisposing syndrome. Last evaluated: 2023-01-09. Review status: criteria provided, single submitter. Criteria: Ambry Variant Classification Scheme 2023. Collection method: clinical testing. Allele origin: germline.

NM_000051.4(ATM):c.5943C>T (p.Ser1981=)

Genes: ATM (ATM serine/threonine kinase; plus strand), C11orf65 (chromosome 11 open reading frame 65; minus strand). Cytogenetic location: 11q22.3.
Variant type: single nucleotide variant.
Coding change: c.5943C>T on transcript NM_000051.4 (MANE Select); coding-DNA position 5943, C replaced by T.
Protein change: p.Ser1981=; no amino-acid change (serine 1981 retained).
Molecular consequence: synonymous variant. On other transcripts: intron variant (2).
Genome position (GRCh38, 1-based): chr11:108,312,435, C>T. VCF-style: chr11-108312435-C-T. GRCh37 (hg19) VCF-style: chr11-108183162-C-T.
Other names: c.5943C>T, p.Ser1981= (NM_001351834.2); c.641-3364G>A (NM_001330368.2); c.*39-3364G>A (NM_001351110.2).
Identifiers: ClinVar variation 232496 (VCV000232496.14), dbSNP rs769252226, ClinGen allele CA6265808.